The following is an entry in ClinVar:

NM_001369.3(DNAH5):c.8072C>T (p.Pro2691Leu)

Gene: DNAH5 (dynein axonemal heavy chain 5; minus strand). Cytogenetic location: 5p15.2.
Variant type: single nucleotide variant.
Coding change: c.8072C>T on transcript NM_001369.3 (MANE Select); coding-DNA position 8072, C replaced by T.
Protein change: p.Pro2691Leu; replaces proline 2691 with leucine.
Molecular consequence: missense variant.
Genome position (GRCh38, 1-based): chr5:13,793,667, G>A on the plus strand (C>T on the coding strand, the complement: DNAH5 is on the minus strand). VCF-style: chr5-13793667-G-A. GRCh37 (hg19) VCF-style: chr5-13793776-G-A.
Other names: short protein forms P2691L.
Identifiers: ClinVar variation 2499674 (VCV002499674.1), dbSNP rs2546743777, ClinGen allele CA359221459.

ClinVar aggregate classification (germline): Uncertain significance (1 of 4 stars; one submission).

Conditions:
Primary ciliary dyskinesia 3. Identifiers: Orphanet 244, MedGen C1837618, MONDO:0012085, OMIM 608644.

Submission:

Department of Human Genetics, Hannover Medical School
Classification: Uncertain significance for Primary ciliary dyskinesia 3. Last evaluated: 2023-04-25. Review status: criteria provided, single submitter. Criteria: ACMG Guidelines, 2015. Collection method: clinical testing. Allele origin: germline. Affected: yes.
Comment: This missense variant is currently not known in the ClinVar and LOVD variant databases or in the literature. It is also not listed in the population database gnomAD. An in silico analysis of this variation using the program REVEL did not show a clear result. A final evaluation of this variant in the DNAH5 gene is currently not possible based on the available data.